The following is an entry in ClinVar:

NM_201384.3(PLEC):c.6741C>T (p.Ile2247=)

Gene: PLEC (plectin; minus strand). Cytogenetic location: 8q24.3.
Variant type: single nucleotide variant.
Coding change: c.6741C>T on transcript NM_201384.3 (MANE Select); coding-DNA position 6741, C replaced by T.
Protein change: p.Ile2247=; no amino-acid change (isoleucine 2247 retained).
Molecular consequence: synonymous variant.
Genome position (GRCh38, 1-based): chr8:143,923,188, G>A on the plus strand (C>T on the coding strand, the complement: PLEC is on the minus strand). VCF-style: chr8-143923188-G-A. GRCh37 (hg19) VCF-style: chr8-144997356-G-A.
Other names: p.Ile2233=; c.6822C>T, p.Ile2274= (NM_000445.5); c.6699C>T, p.Ile2233= (NM_201378.4); c.6675C>T, p.Ile2225= (NM_201379.3); c.7152C>T, p.Ile2384= (NM_201380.4); c.6645C>T, p.Ile2215= (NM_201381.3); c.6741C>T, p.Ile2247= (NM_201382.4); c.6753C>T, p.Ile2251= (NM_201383.3).
Identifiers: ClinVar variation 129951 (VCV000129951.23), dbSNP rs62641755, ClinGen allele CA154573.

ClinVar aggregate classification (germline): Benign. Review status: criteria provided, multiple submitters, no conflicts (2 of 4 stars). 6 submissions from 6 submitters: Benign (5). 1 of the submissions does not count toward it. Last evaluated 2026-01-20.

Conditions:
Epidermolysis bullosa simplex 5C, with pyloric atresia (EBS5C). Also called: PLEC-Related Epidermolysis Bullosa with Pyloric Atresia; Epidermolysis bullosa simplex with pyloric atresia; PLEC1-Related Epidermolysis Bullosa with Pyloric Atresia. Identifiers: Orphanet 158684, MedGen C2677349, MONDO:0012807, OMIM 612138.
Autosomal recessive limb-girdle muscular dystrophy type 2Q (LGMDR17). Also called: MUSCULAR DYSTROPHY, LIMB-GIRDLE, AUTOSOMAL RECESSIVE 17. Identifiers: Orphanet 254361, MedGen C3150989, MONDO:0013390, OMIM 613723.
Epidermolysis bullosa simplex with nail dystrophy (EBS5D). Identifiers: MedGen C4225309, MONDO:0014661, OMIM 616487.
Epidermolysis bullosa simplex 5B, with muscular dystrophy (EBS5B). Also called: Epidermolysis bullosa simplex with muscular dystrophy; EPIDERMOLYSIS BULLOSA SIMPLEX AND LIMB-GIRDLE MUSCULAR DYSTROPHY. Identifiers: Orphanet 257, MedGen C2931072, MONDO:0009181, OMIM 226670.
Epidermolysis bullosa simplex, Ogna type (EBS5A). Also called: Pidermolysis bullosa simplex 5A, Ogna type; EPIDERMOLYSIS BULLOSA SIMPLEX 5A, OGNA TYPE. Identifiers: Orphanet 79401, MedGen C0432317, MONDO:0007555, OMIM 131950.

Allele frequency attached by ClinVar (database versions not stated): gnomAD exomes 0.00387 and 0.00165; ExAC 0.00502; gnomAD 0.01529 and 0.01627; ESP Exome Variant Server 0.01610; TOPMed 0.01695; 1000 Genomes Project 0.02117; 1000 Genomes Project 30x 0.02264.
gnomAD v4.1: 4,811 of 1,602,460 alleles (0.3%); highest among the groups gnomAD compares: African/African-American, 5.3%; 107 homozygotes.

Submissions (6):

Labcorp Genetics (formerly Invitae), Labcorp
Classification: Benign for Autosomal recessive limb-girdle muscular dystrophy type 2Q; Epidermolysis bullosa simplex, Ogna type; Epidermolysis bullosa simplex with nail dystrophy; Epidermolysis bullosa simplex 5C, with pyloric atresia; Epidermolysis bullosa simplex 5B, with muscular dystrophy. Last evaluated: 2026-01-20. Review status: criteria provided, single submitter. Criteria: Invitae Variant Classification Sherloc (09022015). Collection method: clinical testing. Allele origin: germline.

Athena Diagnostics
Classification: Benign. Last evaluated: 2024-08-29. Review status: criteria provided, single submitter. Criteria: Athena Diagnostics Criteria. Collection method: clinical testing. Allele origin: unknown.

Mayo Clinic Laboratories, Mayo Clinic
Classification: Benign. Last evaluated: 2024-02-13. Review status: criteria provided, single submitter. Criteria: ACMG Guidelines, 2015. Collection method: clinical testing. Allele origin: germline. Observed: 13 variant alleles.
Comment: BA1, BP4, BP7

GeneDx
Classification: Benign. Last evaluated: 2016-05-18. Review status: criteria provided, single submitter. Criteria: GeneDx Variant Classification (06012015). Collection method: clinical testing. Allele origin: germline. Affected: yes.
Comment: This variant is considered likely benign or benign based on one or more of the following criteria: it is a conservative change, it occurs at a poorly conserved position in the protein, it is predicted to be benign by multiple in silico algorithms, and/or has population frequency not consistent with disease.

Breakthrough Genomics
Classification: Benign. Review status: criteria provided, single submitter. Criteria: ACMG Guidelines, 2015. Collection method: not provided. Allele origin: germline. Inheritance: Autosomal recessive inheritance. Affected: yes.

Genetic Services Laboratory, University of Chicago
Classification: Likely benign for AllHighlyPenetrant. Review status: no assertion criteria provided. Collection method: clinical testing. Allele origin: germline. Inheritance: Autosomal recessive inheritance. Not counted in ClinVar's aggregate classification.
Comment: Likely benign based on allele frequency in 1000 Genomes Project or ESP global frequency and its presence in a patient with a rare or unrelated disease phenotype. NOT Sanger confirmed.